The following is an entry in ClinVar:

ClinVar aggregate classification (germline): Uncertain significance (1 of 4 stars; one submission).

Allele frequency attached by ClinVar (database versions not stated): gnomAD exomes below 0.00001.
gnomAD v4.1: 1 of 1,605,776 alleles (0.000062%); highest among the groups gnomAD compares: Non-Finnish European, 0.000085%; no homozygotes.

Submission:

GeneDx
Classification: Uncertain significance. Last evaluated: 2022-06-23. Review status: criteria provided, single submitter. Criteria: GeneDx Variant Classification Process June 2021. Collection method: clinical testing. Allele origin: germline. Affected: yes.
Comment: Not observed at significant frequency in large population cohorts (gnomAD); In silico analysis supports that this missense variant has a deleterious effect on protein structure/function; Has not been previously published as pathogenic or benign to our knowledge; Variants in candidate genes are classified as variants of uncertain significance in accordance with ACMG guidelines (Richards et al., 2015)

NM_015057.5(MYCBP2):c.4225A>G (p.Arg1409Gly)

Gene: MYCBP2 (MYC binding protein 2; minus strand). Cytogenetic location: 13q22.3.
Variant type: single nucleotide variant.
Coding change: c.4225A>G on transcript NM_015057.5 (MANE Select); coding-DNA position 4225, A replaced by G.
Protein change: p.Arg1409Gly; replaces arginine 1409 with glycine.
Molecular consequence: missense variant.
Genome position (GRCh38, 1-based): chr13:77,188,977, T>C on the plus strand (A>G on the coding strand, the complement: MYCBP2 is on the minus strand). VCF-style: chr13-77188977-T-C. GRCh37 (hg19) VCF-style: chr13-77763112-T-C.
Other names: short protein forms R1409G.
Identifiers: ClinVar variation 1878768 (VCV001878768.1), dbSNP rs2549131327, ClinGen allele CA388410721.